The following is an entry in ClinVar:

ClinVar aggregate classification (germline): Uncertain significance (1 of 4 stars; one submission).

Conditions:
Leigh syndrome (NULS). Also called: Leigh Syndrome (mtDNA deletion); Leigh's syndrome; LEIGH SYNDROME, NUCLEAR; Leigh's necrotizing encephalopathy; Leigh's disease; Leigh Disease. Identifiers: Orphanet 506, MedGen C2931891, MONDO:0009723, OMIM 256000.

Submission:

Labcorp Genetics (formerly Invitae), Labcorp
Classification: Uncertain significance for Leigh syndrome. Last evaluated: 2025-09-23. Review status: criteria provided, single submitter. Criteria: Invitae Variant Classification Sherloc (09022015). Collection method: clinical testing. Allele origin: germline.
Comment: This sequence change replaces tryptophan, which is neutral and slightly polar, with cysteine, which is neutral and slightly polar, at codon 289 of the SURF1 protein (p.Trp289Cys). This variant is not present in population databases (gnomAD no frequency). This variant has not been reported in the literature in individuals affected with SURF1-related conditions. Invitae Evidence Modeling of protein sequence and biophysical properties (such as structural, functional, and spatial information, amino acid conservation, physicochemical variation, residue mobility, and thermodynamic stability) has been performed for this missense variant. However, the output from this modeling did not meet the statistical confidence thresholds required to predict the impact of this variant on SURF1 protein function. In summary, the available evidence is currently insufficient to determine the role of this variant in disease. Therefore, it has been classified as a Variant of Uncertain Significance.

NM_003172.4(SURF1):c.867G>C (p.Trp289Cys)

Gene: SURF1 (SURF1 cytochrome c oxidase assembly factor; minus strand). Cytogenetic location: 9q34.2.
Variant type: single nucleotide variant.
Coding change: c.867G>C on transcript NM_003172.4 (MANE Select); coding-DNA position 867, G replaced by C.
Protein change: p.Trp289Cys; replaces tryptophan 289 with cysteine.
Molecular consequence: missense variant.
Genome position (GRCh38, 1-based): chr9:133,351,949, C>G on the plus strand (G>C on the coding strand, the complement: SURF1 is on the minus strand). VCF-style: chr9-133351949-C-G. GRCh37 (hg19) VCF-style: chr9-136218804-C-G.
Other names: c.540G>C, p.Trp180Cys (NM_001280787.1); short protein forms W180C, W289C.
Identifiers: ClinVar variation 4709790 (VCV004709790.1).